The following is an entry in ClinVar:

ClinVar aggregate classification (germline): Likely benign. Review status: criteria provided, multiple submitters, no conflicts (2 of 4 stars). 3 submissions from 3 submitters: Likely benign (2). 1 of the submissions does not count toward it. Last evaluated 2024-11-28.

Conditions:
TTLL5-related disorder. Also called: TTLL5-related condition.

Allele frequency attached by ClinVar (database versions not stated): gnomAD 0.00017 and 0.00020; gnomAD exomes 0.00024; ExAC 0.00027; TOPMed 0.00037.
gnomAD v4.1: 309 of 1,614,000 alleles (0.019%); highest among the groups gnomAD compares: Middle Eastern, 0.17%; no homozygotes.

Submissions (3):

Blueprint Genetics
Classification: Likely benign. Last evaluated: 2024-11-28. Review status: criteria provided, single submitter. Criteria: ACMG Guidelines, 2015. Collection method: clinical testing. Allele origin: germline.

Labcorp Genetics (formerly Invitae), Labcorp
Classification: Likely benign. Last evaluated: 2018-06-02. Review status: criteria provided, single submitter. Criteria: Invitae Variant Classification Sherloc (09022015). Collection method: clinical testing. Allele origin: germline.

PreventionGenetics, part of Exact Sciences
Classification: Likely benign for TTLL5-related condition. Last evaluated: 2019-05-09. Review status: no assertion criteria provided. Collection method: clinical testing. Allele origin: germline. Not counted in ClinVar's aggregate classification.
Comment: This variant is classified as likely benign based on ACMG/AMP sequence variant interpretation guidelines (Richards et al. 2015 PMID: 25741868, with internal and published modifications).

NM_015072.5(TTLL5):c.1187-8C>T

Gene: TTLL5 (tubulin tyrosine ligase like 5; plus strand). Cytogenetic location: 14q24.3.
Variant type: single nucleotide variant.
Coding change: c.1187-8C>T on transcript NM_015072.5 (MANE Select); 8 bases into the intron before coding-DNA position 1187, C replaced by T.
Molecular consequence: intron variant.
Genome position (GRCh38, 1-based): chr14:75,735,187, C>T. VCF-style: chr14-75735187-C-T. GRCh37 (hg19) VCF-style: chr14-76201530-C-T.
Identifiers: ClinVar variation 725006 (VCV000725006.6), dbSNP rs748140679, ClinGen allele CA7279283.